The following is an entry in ClinVar:

NM_001267550.2(TTN):c.8434G>C (p.Val2812Leu)

Gene: TTN (titin; minus strand). Cytogenetic location: 2q31.2.
Variant type: single nucleotide variant.
Coding change: c.8434G>C on transcript NM_001267550.2 (MANE Select); coding-DNA position 8434, G replaced by C.
Protein change: p.Val2812Leu; replaces valine 2812 with leucine.
Molecular consequence: missense variant.
Genome position (GRCh38, 1-based): chr2:178,770,267, C>G on the plus strand (G>C on the coding strand, the complement: TTN is on the minus strand). VCF-style: chr2-178770267-C-G. GRCh37 (hg19) VCF-style: chr2-179634994-C-G.
Other names: p.V2812L:GTT>CTT; c.8434G>C, p.Val2812Leu (NM_001256850.1, NM_133378.4, NM_133379.5); c.8296G>C, p.Val2766Leu (NM_003319.4, NM_133432.3, NM_133437.4); short protein forms V2812L, V2766L.
Identifiers: ClinVar variation 178268 (VCV000178268.20), dbSNP rs146636599, ClinGen allele CA181968.

ClinVar aggregate classification (germline): Conflicting classifications of pathogenicity. Review status: criteria provided, conflicting classifications (1 of 4 stars). 7 submissions from 7 submitters: Uncertain significance (3); Likely benign (4). Last evaluated 2025-04-09.

Conditions:
Cardiovascular phenotype. Identifiers: MedGen CN230736.

Allele frequency attached by ClinVar (database versions not stated): ExAC 0.00008; ESP Exome Variant Server 0.00008; gnomAD exomes 0.00010; gnomAD 0.00013; TOPMed 0.00014.

Submissions (7):

Molecular Diagnostic Laboratory for Inherited Cardiovascular Disease, Montreal Heart Institute
Classification: Likely benign. Last evaluated: 2025-04-09. Review status: criteria provided, single submitter. Criteria: ACMG Guidelines, 2015. Collection method: clinical testing. Allele origin: germline. Affected: no.

Blueprint Genetics
Classification: Likely benign. Last evaluated: 2023-10-19. Review status: criteria provided, single submitter. Criteria: ACMG Guidelines, 2015. Collection method: clinical testing. Allele origin: germline.

Revvity Omics, Revvity
Classification: Uncertain significance. Last evaluated: 2023-04-27. Review status: criteria provided, single submitter. Criteria: ACMG Guidelines, 2015. Collection method: clinical testing. Allele origin: germline.

Ambry Genetics
Classification: Likely benign for Cardiovascular phenotype. Last evaluated: 2020-02-20. Review status: criteria provided, single submitter. Criteria: Ambry Variant Classification Scheme 2023. Collection method: clinical testing. Allele origin: germline.

GeneDx
Classification: Likely benign. Last evaluated: 2020-02-07. Review status: criteria provided, single submitter. Criteria: GeneDx Variant Classification Process June 2021. Collection method: clinical testing. Allele origin: germline. Affected: yes.

Eurofins Ntd Llc (ga)
Classification: Uncertain significance. Last evaluated: 2014-12-09. Review status: criteria provided, single submitter. Criteria: EGL Classification Definitions 2015. Collection method: clinical testing. Allele origin: germline. Observed: 2 variant alleles, 2 heterozygotes.

Laboratory for Molecular Medicine, Mass General Brigham Personalized Medicine
Classification: Uncertain significance. Last evaluated: 2013-04-03. Review status: criteria provided, single submitter. Criteria: LMM Criteria. Collection method: clinical testing. Allele origin: germline. Observed: 1 variant allele.
Comment: The Val2812Leu variant in TTN has not been reported in the literature nor previo usly identified by our laboratory. This variant has been identified in 1/4406 Af rican American chromosomes by the NHLBI Exome Sequencing Project (.; dbSNP rs146636599). Computational analyses (biochemical ami no acid properties, conservation, AlignGVGD, PolyPhen2, and SIFT) do not provide strong support for or against an impact to the protein. Additional information is needed to fully assess the clinical significance of this variant.